The following is an entry in ClinVar:

ClinVar aggregate classification (germline): Uncertain significance (1 of 4 stars; one submission).

Conditions:
Dystonia 16 (DYT16). Also called: DYT-PRKRA. Identifiers: Orphanet 210571, MedGen C2677567, MONDO:0012789, OMIM 612067.

Allele frequency attached by ClinVar (database versions not stated): gnomAD 0.00001; TOPMed 0.00002; gnomAD exomes below 0.00001.
gnomAD v4.1: 6 of 1,612,910 alleles (0.00037%); highest among the groups gnomAD compares: African/African-American, 0.0013%; no homozygotes.

Submission:

Labcorp Genetics (formerly Invitae), Labcorp
Classification: Uncertain significance for Dystonia 16. Last evaluated: 2017-09-12. Review status: criteria provided, single submitter. Criteria: Invitae Variant Classification Sherloc (09022015). Collection method: clinical testing. Allele origin: germline.
Comment: This sequence change replaces threonine with arginine at codon 204 of the PRKRA protein (p.Thr204Arg). The threonine residue is moderately conserved and there is a moderate physicochemical difference between threonine and arginine. This variant is not present in population databases (ExAC no frequency). This variant has not been reported in the literature in individuals with PRKRA-related disease. Algorithms developed to predict the effect of missense changes on protein structure and function (SIFT, PolyPhen-2, Align-GVGD) all suggest that this variant is likely to be tolerated, but these predictions have not been confirmed by published functional studies and their clinical significance is uncertain. In summary, the available evidence is currently insufficient to determine the role of this variant in disease. Therefore, it has been classified as a Variant of Uncertain Significance.

NM_003690.5(PRKRA):c.611C>G (p.Thr204Arg)

Genes: CHROMR (cholesterol induced regulator of metabolism RNA; plus strand), PRKRA (protein activator of interferon induced protein kinase EIF2AK2; minus strand). Cytogenetic location: 2q31.2.
Variant type: single nucleotide variant.
Coding change: c.611C>G on transcript NM_003690.5 (MANE Select); coding-DNA position 611, C replaced by G.
Protein change: p.Thr204Arg; replaces threonine 204 with arginine.
Molecular consequence: missense variant.
Genome position (GRCh38, 1-based): chr2:178,436,318, G>C on the plus strand (C>G on the coding strand, the complement: PRKRA is on the minus strand). VCF-style: chr2-178436318-G-C. GRCh37 (hg19) VCF-style: chr2-179301045-G-C.
Other names: c.578C>G, p.Thr193Arg (NM_001139517.2); c.536C>G, p.Thr179Arg (NM_001139518.2); c.272C>G, p.Thr91Arg (NM_001316362.2); short protein forms T204R, T193R, T91R, T179R.
Identifiers: ClinVar variation 537333 (VCV000537333.8), dbSNP rs1351253817, ClinGen allele CA349401193.